The following is an entry in ClinVar:

NM_001042492.3(NF1):c.4463del (p.Thr1488fs)

Gene: NF1 (neurofibromin 1; plus strand). Cytogenetic location: 17q11.2.
Variant type: Deletion.
Coding change: c.4463del on transcript NM_001042492.3 (MANE Select); coding-DNA position 4463, one base deleted (C; older notation c.4463delC).
Protein change: p.Thr1488fs; shifts the reading frame from threonine 1488.
Molecular consequence: frameshift variant.
Genome position (GRCh38, 1-based): chr17:31,260,401, C deleted. VCF-style (leftmost placement, unchanged base first): chr17-31260400-AC-A. GRCh37 (hg19) VCF-style: chr17-29587418-AC-A.
Other names: c.4400delC, p.Thr1467Lysfs (NM_000267.4); short protein forms T1488fs, T1467fs.
Identifiers: ClinVar variation 803360 (VCV000803360.2), dbSNP rs1597746962, ClinGen allele CA915949652.

ClinVar aggregate classification (germline): Pathogenic. Review status: criteria provided, multiple submitters, no conflicts (2 of 4 stars). 2 submissions from 2 submitters: Pathogenic (2). Last evaluated 2026-01-13.

Conditions:
Neurofibromatosis, type 1 (NF1). Also called: Peripheral type neurofibromatosis; NEUROFIBROMATOSIS, TYPE I, SOMATIC; Neurofibromatosis, type I; VON RECKLINGHAUSEN DISEASE. Identifiers: Orphanet 636, MedGen C0027831, MONDO:0018975, OMIM 162200. Disease mechanism: loss of function.

Submissions (2):

Labcorp Genetics (formerly Invitae), Labcorp
Classification: Pathogenic for Neurofibromatosis, type 1. Last evaluated: 2026-01-13. Review status: criteria provided, single submitter. Criteria: Invitae Variant Classification Sherloc (09022015). Collection method: clinical testing. Allele origin: germline.
Comment: This sequence change creates a premature translational stop signal (p.Thr1467Lysfs*5) in the NF1 gene. It is expected to result in an absent or disrupted protein product. Loss-of-function variants in NF1 are known to be pathogenic (PMID: 10712197, 23913538). This variant is not present in population databases (gnomAD no frequency). This variant has not been reported in the literature in individuals affected with NF1-related conditions. ClinVar contains an entry for this variant (Variation ID: 803360). Algorithms developed to predict the effect of sequence changes on RNA splicing suggest that this variant may disrupt the consensus splice site. For these reasons, this variant has been classified as Pathogenic.

Mendelics
Classification: Pathogenic for Neurofibromatosis, type 1. Last evaluated: 2019-05-28. Review status: criteria provided, single submitter. Criteria: Mendelics Assertion Criteria 2017. Collection method: clinical testing. Allele origin: unknown.

Literature cited by the submitters: PubMed 10712197 (cited by Labcorp Genetics (formerly Invitae), Labcorp); PubMed 23913538 (cited by Labcorp Genetics (formerly Invitae), Labcorp).